The following is an entry in ClinVar:

NM_004260.4(RECQL4):c.454G>A (p.Ala152Thr)

Gene: RECQL4 (RecQ like helicase 4; minus strand). Cytogenetic location: 8q24.3.
Variant type: single nucleotide variant.
Coding change: c.454G>A on transcript NM_004260.4 (MANE Select); coding-DNA position 454, G replaced by A.
Protein change: p.Ala152Thr; replaces alanine 152 with threonine.
Molecular consequence: missense variant.
Genome position (GRCh38, 1-based): chr8:144,516,665, C>T on the plus strand (G>A on the coding strand, the complement: RECQL4 is on the minus strand). VCF-style: chr8-144516665-C-T. GRCh37 (hg19) VCF-style: chr8-145742049-C-T.
Other names: c.454G>A (NM_004260.3); short protein forms A152T.
Identifiers: ClinVar variation 1063509 (VCV001063509.6), dbSNP rs2130728610, ClinGen allele CA372691426.
Genomic context (GRCh38, chr8:144,516,665, plus strand): 5'-GCCGGCCTGGCCTTGGCTGGGGCTCAGGGAGCTGTGGAGGCTCATCACTGACTTTTTCTG[C>T]AAAGGAGGGGACAGGCCCTGTACCTGGGGGCTTTGGGGTGGATGCCTTAGATGAGGCTCT-3'
Protein context (NP_004251.4, residues 142-162): PPGTGPVPSF[Ala152Thr]EKVSDEPPQL

ClinVar aggregate classification (germline): Uncertain significance. Review status: criteria provided, multiple submitters, no conflicts (2 of 4 stars). 2 submissions from 2 submitters: Uncertain significance (2). Last evaluated 2025-08-15.

Conditions:
Inborn genetic diseases. Identifiers: MedGen C0950123, MeSH D030342.
Baller-Gerold syndrome (BGS). Also called: CRANIOSYNOSTOSIS WITH RADIAL DEFECTS. Identifiers: Orphanet 1225, MedGen C0265308, MONDO:0009039, OMIM 218600.

Submissions (2):

Ambry Genetics
Classification: Uncertain significance for Inborn genetic diseases. Last evaluated: 2025-08-15. Review status: criteria provided, single submitter. Criteria: Ambry Variant Classification Scheme 2023. Collection method: clinical testing. Allele origin: germline.
Comment: The p.A152T variant (also known as c.454G>A), located in coding exon 5 of the RECQL4 gene, results from a G to A substitution at nucleotide position 454. The alanine at codon 152 is replaced by threonine, an amino acid with similar properties. This amino acid position is conserved. In addition, this alteration is predicted to be tolerated by in silico analysis. Based on the available evidence, the clinical significance of this variant remains unclear.

Labcorp Genetics (formerly Invitae), Labcorp
Classification: Uncertain significance for Baller-Gerold syndrome. Last evaluated: 2024-10-14. Review status: criteria provided, single submitter. Criteria: Invitae Variant Classification Sherloc (09022015). Collection method: clinical testing. Allele origin: germline.
Comment: This sequence change replaces alanine, which is neutral and non-polar, with threonine, which is neutral and polar, at codon 152 of the RECQL4 protein (p.Ala152Thr). This variant is not present in population databases (gnomAD no frequency). This variant has not been reported in the literature in individuals affected with RECQL4-related conditions. ClinVar contains an entry for this variant (Variation ID: 1063509). Invitae Evidence Modeling of protein sequence and biophysical properties (such as structural, functional, and spatial information, amino acid conservation, physicochemical variation, residue mobility, and thermodynamic stability) indicates that this missense variant is not expected to disrupt RECQL4 protein function with a negative predictive value of 80%. In summary, the available evidence is currently insufficient to determine the role of this variant in disease. Therefore, it has been classified as a Variant of Uncertain Significance.